The following is an entry in ClinVar:

NM_138694.4(PKHD1):c.391-2A>G

Gene: PKHD1 (PKHD1 ciliary IPT domain containing fibrocystin/polyductin; minus strand). Cytogenetic location: 6p12.2.
Variant type: single nucleotide variant.
Coding change: c.391-2A>G on transcript NM_138694.4 (MANE Select); the canonical splice acceptor site of the intron before coding-DNA position 391, A replaced by G.
Molecular consequence: splice acceptor variant.
Genome position (GRCh38, 1-based): chr6:52,076,335, T>C on the plus strand (A>G on the coding strand, the complement: PKHD1 is on the minus strand). VCF-style: chr6-52076335-T-C. GRCh37 (hg19) VCF-style: chr6-51941133-T-C.
Other names: c.391-2A>G (NM_170724.3).
Identifiers: ClinVar variation 4816650 (VCV004816650.1).
Genomic context (GRCh38, chr6:52,076,335, plus strand): 5'-CCTGGAACACCACTTGGTGGATAAACTTGGTGAACGATGGGTGTCTGCGCCTTGGAAAAC[T>C]GTTTAGAAAATAGTACCACAAGTGAGCATGTCATTAAAATATTCACAAACACAGGAGGCA-3'

ClinVar aggregate classification (germline): Likely pathogenic (1 of 4 stars; one submission).

Conditions:
Autosomal recessive polycystic kidney disease (ARPKD). Also called: AR polycystic kidney disease. Identifiers: Orphanet 731, Orphanet 8378, MedGen C0085548, MeSH D017044, MONDO:0009889.

Submission:

Natera, Inc.
Classification: Likely pathogenic for Autosomal recessive polycystic kidney disease. Last evaluated: 2025-11-13. Review status: criteria provided, single submitter. Criteria: Natera Variant Classification Schema (03/2026). Collection method: clinical testing. Allele origin: germline.
Comment: The c.391-2A>G variant in PKHD1 is a canonical splice acceptor site variant predicted to affect pre-mRNA splicing, which may result in an abnormal transcript and altered protein product. This variant is expected to result in nonsense mediated decay, truncation, or a dysfunctional protein product. This variant is rare in the general population with a frequency below the threshold expected for the associated phenotype(s). Given the available evidence, this variant is classified as Likely Pathogenic.